The following is an entry in ClinVar:

ClinVar aggregate classification (germline): Pathogenic/Likely pathogenic. Review status: criteria provided, multiple submitters, no conflicts (2 of 4 stars). 4 submissions from 4 submitters: Pathogenic (2); Likely pathogenic (1). 1 of the submissions does not count toward it. Last evaluated 2025-12-09.

Conditions:
von Willebrand disorder (VWD). Also called: von Willebrand's disease; Von Willebrand disease (hereditary or acquired); von Willebrand Diseases. Identifiers: MedGen C0042974, MeSH D014842, MONDO:0024574.
von Willebrand disease type 1 (VWD1). Also called: VWD, TYPE 1; VON WILLEBRAND DISEASE, TYPE I. Identifiers: Orphanet 166078, Orphanet 903, MedGen C1264039, MONDO:0008668, OMIM 193400. Inheritance: autosomal recessive or autosomal dominant.

Allele frequency attached by ClinVar (database versions not stated): gnomAD exomes below 0.00001.
gnomAD v4.1: 1 of 1,614,072 alleles (0.000062%); highest among the groups gnomAD compares: Non-Finnish European, 0.000085%; no homozygotes.

Submissions (4):

Women's Health and Genetics/Laboratory Corporation of America, LabCorp
Classification: Pathogenic for von Willebrand disorder. Last evaluated: 2025-12-09. Review status: criteria provided, single submitter. Criteria: LabCorp Variant Classification Summary - May 2015. Collection method: clinical testing. Allele origin: germline.
Comment: Variant summary: VWF c.6536C>T (p.Ser2179Phe) results in a non-conservative amino acid change in the encoded protein sequence. Algorithms developed to predict the effect of missense changes on protein structure and function all suggest that this variant is likely to be disruptive. The variant was absent in 250996 control chromosomes (gnomAD). c.6536C>T has been observed in multiple individuals affected with Von Willebrand Disease (e.g. Haberichter_2006). These data indicate that the variant is very likely to be associated with disease. The following publication has been ascertained in the context of this evaluation (PMID: 16835381). ClinVar contains an entry for this variant (Variation ID: 100442). Based on the evidence outlined above, the variant was classified as pathogenic.

ARUP Laboratories, Molecular Genetics and Genomics, ARUP Laboratories
Classification: Pathogenic. Last evaluated: 2025-06-04. Review status: criteria provided, single submitter. Criteria: ARUP Molecular Germline Variant Investigation Process 2024. Collection method: clinical testing. Allele origin: germline.
Comment: The VWF c.6536C>T; p.Ser2179Phe variant (rs61750620, ClinVar Variation ID: 100442) is reported in the literature in several individuals and families affected with von Willebrand disease type 1 (Atiq 2022, Borras 2017, Haberichter 2006, James 2007, Krahforst 2024, Sadler 2021, Yadegari 2012). This variant is absent from the Genome Aggregation Database (v2.1.1), indicating it is not a common polymorphism. Computational analyses are uncertain whether this variant is neutral or deleterious (REVEL: 0.687). However, an in vivo mouse model and in vitro assay found this variant had increase binding to macrophage surface protein, SR-AI, and an increased VWFpp/VWF:Ag ratio, indicating an increase in VWF clearance (Wohner 2018). Additionally, individuals with administration of DDAVP had a reduced VWF half-life in circulation (Haberichter 2006, James 2007). Based on available information, this variant is considered to be pathogenic. References: Atiq F et al. Importance of Genotyping in von Willebrand Disease to Elucidate Pathogenic Mechanisms and Variability in Phenotype. Hemasphere. 2022 May 11;6(6):e718. PMID: 35747851. Borras N et al. Molecular and clinical profile of von Willebrand disease in Spain (PCM-EVW-ES): comprehensive genetic analysis by next-generation sequencing of 480 patients. Haematologica. 2017 Dec;102(12):2005-2014. PMID: 28971901. Haberichter SL et al. Assay of the von Willebrand factor (VWF) propeptide to identify patients with type 1 von Willebrand disease with decreased VWF survival. Blood. 2006 Nov 15;108(10):3344-51. PMID: 16835381. James PD et al. Challenges in defining type 2M von Willebrand disease: results from a Canadian cohort study. J Thromb Haemost. 2007 Sep;5(9):1914-22. PMID: 17596142. Krahforst A et al. Unravelling the spectrum of von Willebrand factor variants in quantitative von Willebrand disease: results from a German cohort study. J Thromb Haemost. 2024 Nov;22(11):3010-3034. PMID: 39002731. Sadler B et al. von Willebrand factor antigen levels are associated with burden of rare nonsynonymous variants in the VWF gene. Blood. 2021 Jun 10;137(23):3277-3283. PMID: 33556167. Wohner N et al. Macrophage scavenger receptor SR-AI contributes to the clearance of von Willebrand factor. Haematologica. 2018 Apr;103(4):728-737. PMID: 29326120. Yadegari H et al. Mutation distribution in the von Willebrand factor gene related to the different von Willebrand disease (VWD) types in a cohort of VWD patients. Thromb Haemost. 2012 Oct;108(4):662-71. PMID: 22871923.

Laboratory of Hematology, Radboud University Medical Center
Classification: Likely pathogenic for von Willebrand disease type 1. Last evaluated: 2020-12-10. Review status: criteria provided, single submitter. Criteria: ACMG Guidelines, 2015. Collection method: research. Allele origin: germline. Affected: yes. Observed: 2 variant alleles. Study: WIN study.

Academic Unit of Haematology, University of Sheffield
No classification provided. Review status: no classification provided. Collection method: not provided. Allele origin: not provided. Not counted in ClinVar's aggregate classification.

Literature cited by the submitters: PubMed 16835381 (cited by Women's Health and Genetics/Laboratory Corporation of America, LabCorp).

NM_000552.5(VWF):c.6536C>T (p.Ser2179Phe)

Gene: VWF (von Willebrand factor; minus strand). Cytogenetic location: 12p13.31.
Variant type: single nucleotide variant.
Coding change: c.6536C>T on transcript NM_000552.5 (MANE Select); coding-DNA position 6536, C replaced by T.
Protein change: p.Ser2179Phe; replaces serine 2179 with phenylalanine.
Molecular consequence: missense variant.
Genome position (GRCh38, 1-based): chr12:5,993,924, G>A on the plus strand (C>T on the coding strand, the complement: VWF is on the minus strand). VCF-style: chr12-5993924-G-A. GRCh37 (hg19) VCF-style: chr12-6103090-G-A.
Other names: p.S2179F; short protein forms S2179F.
Identifiers: ClinVar variation 100442 (VCV000100442.4), dbSNP rs61750620, ClinGen allele CA228746.